The following is an entry in ClinVar:

NM_032043.3(BRIP1):c.582A>T (p.Lys194Asn)

Gene: BRIP1 (BRCA1 interacting DNA helicase 1; minus strand). Cytogenetic location: 17q23.2.
Variant type: single nucleotide variant.
Coding change: c.582A>T on transcript NM_032043.3 (MANE Select); coding-DNA position 582, A replaced by T.
Protein change: p.Lys194Asn; replaces lysine 194 with asparagine.
Molecular consequence: missense variant.
Genome position (GRCh38, 1-based): chr17:61,847,146, T>A on the plus strand (A>T on the coding strand, the complement: BRIP1 is on the minus strand). VCF-style: chr17-61847146-T-A. GRCh37 (hg19) VCF-style: chr17-59924507-T-A.
Other names: short protein forms K194N.
Identifiers: ClinVar variation 1749935 (VCV001749935.7), dbSNP rs796681126, ClinGen allele CA292277717.

ClinVar aggregate classification (germline): Uncertain significance. Review status: criteria provided, multiple submitters, no conflicts (2 of 4 stars). 2 submissions from 2 submitters: Uncertain significance (2). Last evaluated 2022-03-25.

Conditions:
Hereditary cancer-predisposing syndrome. Also called: Neoplastic Syndromes, Hereditary; Tumor predisposition; Hereditary neoplastic syndrome; Hereditary Cancer Syndrome. Identifiers: Orphanet 140162, MedGen C0027672, MeSH D009386, MONDO:0015356.
Fanconi anemia complementation group J. Also called: BRIP1-Related Fanconi Anemia. Identifiers: Orphanet 84, MedGen C1836860, MONDO:0012187, OMIM 609054.
Familial cancer of breast. Also called: BREAST CANCER, FAMILIAL; Hereditary breast cancer; hereditary breast carcinoma. Identifiers: Orphanet 227535, MedGen C0346153, MONDO:0016419, OMIM 114480. Disease mechanism: loss of function.

Submissions (2):

Labcorp Genetics (formerly Invitae), Labcorp
Classification: Uncertain significance for Familial cancer of breast; Fanconi anemia complementation group J. Last evaluated: 2022-03-25. Review status: criteria provided, single submitter. Criteria: Invitae Variant Classification Sherloc (09022015). Collection method: clinical testing. Allele origin: germline.
Comment: In summary, the available evidence is currently insufficient to determine the role of this variant in disease. Therefore, it has been classified as a Variant of Uncertain Significance. Algorithms developed to predict the effect of missense changes on protein structure and function (SIFT, PolyPhen-2, Align-GVGD) all suggest that this variant is likely to be tolerated. This variant has not been reported in the literature in individuals affected with BRIP1-related conditions. This variant is not present in population databases (gnomAD no frequency). This sequence change replaces lysine, which is basic and polar, with asparagine, which is neutral and polar, at codon 194 of the BRIP1 protein (p.Lys194Asn).

Ambry Genetics
Classification: Uncertain significance for Hereditary cancer-predisposing syndrome. Last evaluated: 2015-11-17. Review status: criteria provided, single submitter. Criteria: Ambry Variant Classification Scheme 2023. Collection method: clinical testing. Allele origin: germline.
Comment: The p.K194N variant (also known as c.582A>T), located in coding exon 5 of the BRIP1 gene, results from an A to T substitution at nucleotide position 582. The lysine at codon 194 is replaced by asparagine, an amino acid with similar properties. This variant was not reported in population based cohorts in the following databases: Database of Single Nucleotide Polymorphisms (dbSNP), NHLBI Exome Sequencing Project (ESP), and 1000 Genomes Project. In the ESP, this variant was not observed in 6502 samples (13004 alleles) with coverage at this position. To date, this alteration has been detected with an allele frequency of approximately 0.001% (greater than 120000 alleles tested) in our clinical cohort. This amino acid position is well conserved in available vertebrate species. In addition, this alteration is predicted to be tolerated by in silico analysis. Since supporting evidence is limited at this time, the clinical significance of p.K194N remains unclear.